The following is an entry in ClinVar:

ClinVar aggregate classification (germline): Uncertain significance. Review status: criteria provided, multiple submitters, no conflicts (2 of 4 stars). 4 submissions from 4 submitters: Uncertain significance (4). Last evaluated 2025-03-04.

Conditions:
Hereditary cancer-predisposing syndrome. Also called: Neoplastic Syndromes, Hereditary; Hereditary Cancer Syndrome; Tumor predisposition; Hereditary neoplastic syndrome. Identifiers: Orphanet 140162, MedGen C0027672, MeSH D009386, MONDO:0015356.
Familial cancer of breast. Also called: hereditary breast carcinoma; BREAST CANCER, FAMILIAL; Hereditary breast cancer. Identifiers: Orphanet 227535, MedGen C0346153, MONDO:0016419, OMIM 114480. Disease mechanism: loss of function.
Fanconi anemia complementation group J. Also called: BRIP1-Related Fanconi Anemia. Identifiers: Orphanet 84, MedGen C1836860, MONDO:0012187, OMIM 609054.

Allele frequency attached by ClinVar (database versions not stated): gnomAD exomes below 0.00001.
gnomAD v4.1: 1 of 1,614,130 alleles (0.000062%); highest among the groups gnomAD compares: Non-Finnish European, 0.000085%; no homozygotes.

Submissions (4):

Center for Genomic Medicine, Rigshospitalet, Copenhagen University Hospital
Classification: Uncertain significance. Last evaluated: 2025-03-04. Review status: criteria provided, single submitter. Criteria: ACMG Guidelines, 2015. Collection method: clinical testing. Allele origin: germline.

Labcorp Genetics (formerly Invitae), Labcorp
Classification: Uncertain significance for Familial cancer of breast; Fanconi anemia complementation group J. Last evaluated: 2023-06-15. Review status: criteria provided, single submitter. Criteria: Invitae Variant Classification Sherloc (09022015). Collection method: clinical testing. Allele origin: germline.
Comment: ClinVar contains an entry for this variant (Variation ID: 584514). In summary, the available evidence is currently insufficient to determine the role of this variant in disease. Therefore, it has been classified as a Variant of Uncertain Significance. Advanced modeling of protein sequence and biophysical properties (such as structural, functional, and spatial information, amino acid conservation, physicochemical variation, residue mobility, and thermodynamic stability) performed at Invitae indicates that this missense variant is expected to disrupt BRIP1 protein function. This missense change has been observed in individual(s) with BRIP1-related cancer risk (PMID: 31159747). This variant is not present in population databases (gnomAD no frequency). This sequence change replaces threonine, which is neutral and polar, with alanine, which is neutral and non-polar, at codon 663 of the BRIP1 protein (p.Thr663Ala).

Ambry Genetics
Classification: Uncertain significance for Hereditary cancer-predisposing syndrome. Last evaluated: 2019-06-29. Review status: criteria provided, single submitter. Criteria: Ambry Variant Classification Scheme 2023. Collection method: clinical testing. Allele origin: germline.
Comment: The p.T663A variant (also known as c.1987A>G), located in coding exon 13 of the BRIP1 gene, results from an A to G substitution at nucleotide position 1987. The threonine at codon 663 is replaced by alanine, an amino acid with similar properties. This amino acid position is highly conserved in available vertebrate species. In addition, the in silico prediction for this alteration is inconclusive. Since supporting evidence is limited at this time, the clinical significance of this alteration remains unclear.

GeneKor MSA
Classification: Uncertain significance for Hereditary cancer-predisposing syndrome. Last evaluated: 2018-08-01. Review status: criteria provided, single submitter. Criteria: ACMG Guidelines, 2015. Collection method: clinical testing. Allele origin: germline. Affected: yes.

Literature cited by the submitters: PubMed 31159747 (cited by Labcorp Genetics (formerly Invitae), Labcorp).

NM_032043.3(BRIP1):c.1987A>G (p.Thr663Ala)

Gene: BRIP1 (BRCA1 interacting DNA helicase 1; minus strand). Cytogenetic location: 17q23.2.
Variant type: single nucleotide variant.
Coding change: c.1987A>G on transcript NM_032043.3 (MANE Select); coding-DNA position 1987, A replaced by G.
Protein change: p.Thr663Ala; replaces threonine 663 with alanine.
Molecular consequence: missense variant.
Genome position (GRCh38, 1-based): chr17:61,776,511, T>C on the plus strand (A>G on the coding strand, the complement: BRIP1 is on the minus strand). VCF-style: chr17-61776511-T-C. GRCh37 (hg19) VCF-style: chr17-59853872-T-C.
Other names: short protein forms T663A.
Identifiers: ClinVar variation 584514 (VCV000584514.19), dbSNP rs1567808933, ClinGen allele CA400478459.